The following is an entry in ClinVar:

NM_001288705.3(CSF1R):c.2793_2819del (p.Arg931_Ser939del)

Gene: CSF1R (colony stimulating factor 1 receptor; minus strand). Cytogenetic location: 5q32.
Variant type: Deletion.
Coding change: c.2793_2819del on transcript NM_001288705.3 (MANE Select); coding-DNA positions 2793 to 2819, 27 bases deleted (AAGCGGTGGCAGCGGCAGCAGCAGCAG).
Protein change: p.Arg931_Ser939del.
Molecular consequence: inframe deletion. On other transcripts: non-coding transcript variant (2).
Genome position (GRCh38, 1-based): chr5:150,054,169-150,054,195, CTGCTGCTGCTGCCGCTGCCACCGCTT deleted on the plus strand (AAGCGGTGGCAGCGGCAGCAGCAGCAG on the coding strand, the reverse complement: CSF1R is on the minus strand); deleting any 27 consecutive bases within chr5:150,054,169-150,054,206 gives the same sequence; the c. name uses the placement nearest the transcript's 3' end. VCF-style (leftmost placement, unchanged base first): chr5-150054168-ACTGCTGCTGCTGCCGCTGCCACCGCTT-A. GRCh37 (hg19) VCF-style: chr5-149433731-ACTGCTGCTGCTGCCGCTGCCACCGCTT-A.
Other names: c.2793_2819del, p.Arg931_Ser939del (NM_001349736.2, NM_001375320.1, NM_005211.4); c.2349_2375del, p.Arg783_Ser791del (NM_001375321.1); c.2793_2819del (NM_005211.3).
Identifiers: ClinVar variation 2983171 (VCV002983171.12), dbSNP rs1313849223, ClinGen allele CA805561122.

ClinVar aggregate classification (germline): Uncertain significance. Review status: criteria provided, multiple submitters, no conflicts (2 of 4 stars). 4 submissions from 4 submitters: Uncertain significance (4). Last evaluated 2025-08-01.

Conditions:
Hereditary diffuse leukoencephalopathy with spheroids. Also called: LEUKOENCEPHALOPATHY, ADULT-ONSET, WITH AXONAL SPHEROIDS AND PIGMENTED GLIA. Identifiers: Orphanet 313808, MedGen C3711381, MONDO:0030796.

Submissions (4):

CeGaT Center for Human Genetics Tuebingen
Classification: Uncertain significance. Last evaluated: 2025-08-01. Review status: criteria provided, single submitter. Criteria: CeGaT Center For Human Genetics Tuebingen Variant Classification Criteria Version 2. Collection method: clinical testing. Allele origin: germline. Affected: yes. Observed: 1 variant allele.
Comment: CSF1R: PM4, PM2:Supporting

GeneDx
Classification: Uncertain significance. Last evaluated: 2025-04-15. Review status: criteria provided, single submitter. Criteria: GeneDx Variant Classification Process June 2021. Collection method: clinical testing. Allele origin: germline. Affected: yes.
Comment: Not observed at significant frequency in large population cohorts (gnomAD); In-frame deletion of 9 amino acid(s) in a non-repeat region; In silico analysis indicates that this variant does not alter protein structure/function; Has not been previously published as pathogenic or benign to our knowledge

Labcorp Genetics (formerly Invitae), Labcorp
Classification: Uncertain significance. Last evaluated: 2023-03-28. Review status: criteria provided, single submitter. Criteria: Invitae Variant Classification Sherloc (09022015). Collection method: clinical testing. Allele origin: germline.
Comment: This variant has not been reported in the literature in individuals affected with CSF1R-related conditions. Experimental studies and prediction algorithms are not available or were not evaluated, and the functional significance of this variant is currently unknown. In summary, the available evidence is currently insufficient to determine the role of this variant in disease. Therefore, it has been classified as a Variant of Uncertain Significance. This variant is not present in population databases (gnomAD no frequency). This variant, c.2793_2819del, results in the deletion of 9 amino acid(s) of the CSF1R protein (p.Arg931_Ser939del), but otherwise preserves the integrity of the reading frame.

Department of Pathology and Laboratory Medicine, Sinai Health System
Classification: Uncertain significance for hereditary diffuse leukoencephalopathy with axonal spheroids and pigmented glia. Last evaluated: 2022-02-15. Review status: criteria provided, single submitter. Criteria: ACMG Guidelines, 2015. Collection method: research. Allele origin: germline.